The following is an entry in ClinVar:

NM_014727.3(KMT2B):c.3680C>T (p.Pro1227Leu)

Gene: KMT2B (lysine methyltransferase 2B; plus strand). Cytogenetic location: 19q13.12.
Variant type: single nucleotide variant.
Coding change: c.3680C>T on transcript NM_014727.3 (MANE Select); coding-DNA position 3680, C replaced by T.
Protein change: p.Pro1227Leu; replaces proline 1227 with leucine.
Molecular consequence: missense variant.
Genome position (GRCh38, 1-based): chr19:35,725,516, C>T. VCF-style: chr19-35725516-C-T. GRCh37 (hg19) VCF-style: chr19-36216417-C-T.
Other names: short protein forms P1227L.
Identifiers: ClinVar variation 1389817 (VCV001389817.6), dbSNP rs2146450407, ClinGen allele CA405409958.

ClinVar aggregate classification (germline): Uncertain significance (1 of 4 stars; one submission).

Submission:

Labcorp Genetics (formerly Invitae), Labcorp
Classification: Uncertain significance. Last evaluated: 2024-12-02. Review status: criteria provided, single submitter. Criteria: Invitae Variant Classification Sherloc (09022015). Collection method: clinical testing. Allele origin: germline.
Comment: This sequence change replaces proline, which is neutral and non-polar, with leucine, which is neutral and non-polar, at codon 1227 of the KMT2B protein (p.Pro1227Leu). This variant is not present in population databases (gnomAD no frequency). This variant has not been reported in the literature in individuals affected with KMT2B-related conditions. ClinVar contains an entry for this variant (Variation ID: 1389817). Invitae Evidence Modeling of protein sequence and biophysical properties (such as structural, functional, and spatial information, amino acid conservation, physicochemical variation, residue mobility, and thermodynamic stability) indicates that this missense variant is not expected to disrupt KMT2B protein function with a negative predictive value of 95%. In summary, the available evidence is currently insufficient to determine the role of this variant in disease. Therefore, it has been classified as a Variant of Uncertain Significance.